The following is an entry in ClinVar:

ClinVar aggregate classification (germline): Uncertain significance (1 of 4 stars; one submission).

Submission:

GeneDx
Classification: Uncertain significance. Last evaluated: 2023-05-17. Review status: criteria provided, single submitter. Criteria: GeneDx Variant Classification Process June 2021. Collection method: clinical testing. Allele origin: germline. Affected: yes.
Comment: Not observed at significant frequency in large population cohorts (gnomAD); In silico analysis supports that this missense variant has a deleterious effect on protein structure/function; Has not been previously published as pathogenic or benign to our knowledge

NM_001378974.1(FBXW11):c.1237A>T (p.Thr413Ser)

Gene: FBXW11 (F-box and WD repeat domain containing 11; minus strand). Cytogenetic location: 5q35.1.
Variant type: single nucleotide variant.
Coding change: c.1237A>T on transcript NM_001378974.1 (MANE Select); coding-DNA position 1237, A replaced by T.
Protein change: p.Thr413Ser; replaces threonine 413 with serine.
Molecular consequence: missense variant.
Genome position (GRCh38, 1-based): chr5:171,872,975, T>A on the plus strand (A>T on the coding strand, the complement: FBXW11 is on the minus strand). VCF-style: chr5-171872975-T-A. GRCh37 (hg19) VCF-style: chr5-171299979-T-A.
Other names: c.1168A>T, p.Thr390Ser (NM_001378975.1); c.1141A>T, p.Thr381Ser (NM_001378976.1); c.1078A>T, p.Thr360Ser (NM_001378977.1, NM_001378978.1, NM_001378979.1); c.1072A>T, p.Thr358Ser (NM_001378980.1, NM_033645.3); c.1174A>T, p.Thr392Ser (NM_012300.3); c.1135A>T, p.Thr379Ser (NM_033644.3); short protein forms T358S, T360S, T379S, T381S, T390S, T392S, T413S.
Identifiers: ClinVar variation 2662384 (VCV002662384.1), dbSNP rs2480111169, ClinGen allele CA362213365.
Genomic context (GRCh38, chr5:171,872,975, plus strand): 5'-TGTACTGGAGACAGGCAATGCCCCGCTTGTGCCCATTGAGAGTACGAACAAATTCACAGG[T>A]GCTCGTGCTCCAGACCTGTATAACAAATTAACAGTATTTTAAAGAATGAACACAGGAAAG-3'
Protein context (NP_001365903.1, residues 403-423): DRTIKVWSTS[Thr413Ser]CEFVRTLNGH